The following is an entry in ClinVar:

ClinVar aggregate classification (germline): Pathogenic. Review status: criteria provided, multiple submitters, no conflicts (2 of 4 stars). 2 submissions from 2 submitters: Pathogenic (2). Last evaluated 2024-04-05.

Conditions:
Marfan syndrome (MFS). Also called: Marfan syndrome, classic; FBN1-Related Marfan Syndrome; Marfan syndrome type 1; Marfan's syndrome; MARFAN SYNDROME, TYPE I. Identifiers: Orphanet 284963, Orphanet 558, MedGen C0024796, MONDO:0007947, OMIM 154700.
Familial thoracic aortic aneurysm and aortic dissection (TAAD). Also called: Thoracic aortic aneurysms and dissections. Identifiers: Orphanet 91387, MedGen C4707243, MONDO:0019625.

Submissions (2):

Labcorp Genetics (formerly Invitae), Labcorp
Classification: Pathogenic for Marfan syndrome; Familial thoracic aortic aneurysm and aortic dissection. Last evaluated: 2024-04-05. Review status: criteria provided, single submitter. Criteria: Invitae Variant Classification Sherloc (09022015). Collection method: clinical testing. Allele origin: germline.
Comment: This sequence change replaces cysteine, which is neutral and slightly polar, with phenylalanine, which is neutral and non-polar, at codon 734 of the FBN1 protein (p.Cys734Phe). This variant is not present in population databases (gnomAD no frequency). This missense change has been observed in individual(s) with Marfan syndrome (PMID: 12203992, 21907952). ClinVar contains an entry for this variant (Variation ID: 199992). Advanced modeling of protein sequence and biophysical properties (such as structural, functional, and spatial information, amino acid conservation, physicochemical variation, residue mobility, and thermodynamic stability) performed at Invitae indicates that this missense variant is expected to disrupt FBN1 protein function with a positive predictive value of 95%. This variant affects a cysteine residue in the EGF-like, TGFBP or hybrid motif domains of FBN1. Cysteine residues are believed to be involved in intramolecular disulfide bridges and have been shown to be important for FBN1 protein structure (PMID: 16905551, 19349279). In addition, missense substitutions affecting cysteine residues within these domains are significantly overrepresented among patients with Marfan syndrome (PMID: 16571647, 17701892). For these reasons, this variant has been classified as Pathogenic.

GeneDx
Classification: Pathogenic. Last evaluated: 2014-05-21. Review status: criteria provided, single submitter. Criteria: GeneDx Variant Classification (06012015). Collection method: clinical testing. Allele origin: germline. Affected: yes.
Comment: p.Cys734Phe (TGC>TTC): c.2201 G>T in exon 19 of the FBN1 gene (NM_000138.4)The C734F mutation in the FBN1 gene has been reported previously in a patient with Marfan syndrome, however no segregation or population data were reported (Katzke S et al., 2002). In addition, the C734F mutation was not observed in approximately 6,500 individuals of European and African American ancestry in the NHLBI Exome Sequencing Project, indicating it is not a common benign variant in these populations. Moreover, C734F results in a non-conservative amino acid substitution, which is likely to impact secondary protein structure as these residues differ in polarity, charge, size and/or other properties. This substitution occurs at a position that is completely conserved across species. In silico analysis predicts this variant is probably damaging to the protein structure/function. Furthermore, mutations in nearby residues (E726G, C727Y, G737V, C739R) have been reported in association with Marfan syndrome and ectopia lentis, further supporting the functional importance of this region of the protein.In summary, C734F in the FBN1 gene is interpreted as a disease-causing mutation. The variant is found in TAAD panel(s).

Literature cited by the submitters: PubMed 12203992 (cited by Labcorp Genetics (formerly Invitae), Labcorp); PubMed 21907952 (cited by Labcorp Genetics (formerly Invitae), Labcorp); PubMed 16905551 (cited by Labcorp Genetics (formerly Invitae), Labcorp); PubMed 19349279 (cited by Labcorp Genetics (formerly Invitae), Labcorp); PubMed 16571647 (cited by Labcorp Genetics (formerly Invitae), Labcorp); PubMed 17701892 (cited by Labcorp Genetics (formerly Invitae), Labcorp).

NM_000138.5(FBN1):c.2201G>T (p.Cys734Phe)

Gene: FBN1 (fibrillin 1; minus strand). Cytogenetic location: 15q21.1.
Variant type: single nucleotide variant.
Coding change: c.2201G>T on transcript NM_000138.5 (MANE Select); coding-DNA position 2201, G replaced by T.
Protein change: p.Cys734Phe; replaces cysteine 734 with phenylalanine.
Molecular consequence: missense variant.
Genome position (GRCh38, 1-based): chr15:48,497,358, C>A on the plus strand (G>T on the coding strand, the complement: FBN1 is on the minus strand). VCF-style: chr15-48497358-C-A. GRCh37 (hg19) VCF-style: chr15-48789555-C-A.
Other names: p.C734F:TGC>TTC; short protein forms C734F.
Identifiers: ClinVar variation 199992 (VCV000199992.4), dbSNP rs794728187, ClinGen allele CA012879.
Genomic context (GRCh38, chr15:48,497,358, plus strand): 5'-TATCCTGAATTGCATATACATTTATAGGTCCCACGAAGGTTTTCACAGATTCCATTTGGG[C>A]AAATATCAGGATCTAGTGCACATTCATTTATATCTGCACCACAAAAAAGGTCAAAATCAA-3'
Protein context (NP_000129.3, residues 724-744): INECALDPDI[Cys734Phe]PNGICENLRG